The following is an entry in ClinVar:

NM_012448.4(STAT5B):c.2324G>A (p.Arg775Gln)

Gene: STAT5B (signal transducer and activator of transcription 5B; minus strand). Cytogenetic location: 17q21.2.
Variant type: single nucleotide variant.
Coding change: c.2324G>A on transcript NM_012448.4 (MANE Select); coding-DNA position 2324, G replaced by A.
Protein change: p.Arg775Gln; replaces arginine 775 with glutamine.
Molecular consequence: missense variant.
Genome position (GRCh38, 1-based): chr17:42,201,778, C>T on the plus strand (G>A on the coding strand, the complement: STAT5B is on the minus strand). VCF-style: chr17-42201778-C-T. GRCh37 (hg19) VCF-style: chr17-40353796-C-T.
Other names: short protein forms R775Q.
Identifiers: ClinVar variation 1439450 (VCV001439450.8), dbSNP rs138115420, ClinGen allele CA8573797.

ClinVar aggregate classification (germline): Uncertain significance (1 of 4 stars; one submission).

Conditions:
Growth hormone insensitivity with immune dysregulation 1, autosomal recessive. Also called: GROWTH HORMONE INSENSITIVITY SYNDROME WITH IMMUNE DYSREGULATION 1, AUTOSOMAL RECESSIVE; GROWTH HORMONE INSENSITIVITY DUE TO POSTRECEPTOR DEFECT; LARON SYNDROME DUE TO POSTRECEPTOR DEFECT; Laron syndrome with immunodeficiency. Identifiers: Orphanet 220465, MedGen C5435698, MONDO:0100211, OMIM 245590.

Allele frequency attached by ClinVar (database versions not stated): gnomAD 0.00001 and 0.00003; TOPMed 0.00002; gnomAD exomes 0.00003 and 0.00005; ExAC 0.00005; 1000 Genomes Project 30x 0.00031; 1000 Genomes Project 0.00040.
gnomAD v4.1: 48 of 1,614,108 alleles (0.003%); highest among the groups gnomAD compares: South Asian, 0.023%; no homozygotes.

Submission:

Labcorp Genetics (formerly Invitae), Labcorp
Classification: Uncertain significance for Growth hormone insensitivity with immune dysregulation 1, autosomal recessive. Last evaluated: 2024-12-26. Review status: criteria provided, single submitter. Criteria: Invitae Variant Classification Sherloc (09022015). Collection method: clinical testing. Allele origin: germline.
Comment: This sequence change replaces arginine, which is basic and polar, with glutamine, which is neutral and polar, at codon 775 of the STAT5B protein (p.Arg775Gln). This variant is present in population databases (rs138115420, gnomAD 0.02%). This variant has not been reported in the literature in individuals affected with STAT5B-related conditions. ClinVar contains an entry for this variant (Variation ID: 1439450). An algorithm developed to predict the effect of missense changes on protein structure and function (PolyPhen-2) suggests that this variant is likely to be disruptive. In summary, the available evidence is currently insufficient to determine the role of this variant in disease. Therefore, it has been classified as a Variant of Uncertain Significance.